The following is an entry in ClinVar:

NM_006915.3(RP2):c.797A>C (p.Gln266Pro)

Gene: RP2 (RP2 activator of ARL3 GTPase; plus strand). Cytogenetic location: Xp11.3.
Variant type: single nucleotide variant.
Coding change: c.797A>C on transcript NM_006915.3 (MANE Select); coding-DNA position 797, A replaced by C.
Protein change: p.Gln266Pro; replaces glutamine 266 with proline.
Molecular consequence: missense variant.
Genome position (GRCh38, 1-based): chrX:46,860,016, A>C. VCF-style: chrX-46860016-A-C. GRCh37 (hg19) VCF-style: chrX-46719451-A-C.
Other names: short protein forms Q266P.
Identifiers: ClinVar variation 1511657 (VCV001511657.8), dbSNP rs782053870, ClinGen allele CA413040752.

ClinVar aggregate classification (germline): Uncertain significance (1 of 4 stars; one submission).

Submission:

Labcorp Genetics (formerly Invitae), Labcorp
Classification: Uncertain significance. Last evaluated: 2022-11-01. Review status: criteria provided, single submitter. Criteria: Invitae Variant Classification Sherloc (09022015). Collection method: clinical testing. Allele origin: germline.
Comment: This sequence change replaces glutamine, which is neutral and polar, with proline, which is neutral and non-polar, at codon 266 of the RP2 protein (p.Gln266Pro). This variant is not present in population databases (gnomAD no frequency). This missense change has been observed in individual(s) with retinitis pigmentosa (PMID: 25412400). ClinVar contains an entry for this variant (Variation ID: 1511657). Advanced modeling of protein sequence and biophysical properties (such as structural, functional, and spatial information, amino acid conservation, physicochemical variation, residue mobility, and thermodynamic stability) has been performed at Invitae for this missense variant, however the output from this modeling did not meet the statistical confidence thresholds required to predict the impact of this variant on RP2 protein function. In summary, the available evidence is currently insufficient to determine the role of this variant in disease. Therefore, it has been classified as a Variant of Uncertain Significance.

Literature cited by the submitters: PubMed 25412400.